The following is an entry in ClinVar:

NM_019616.4(F7):c.739+1G>A

Gene: F7 (coagulation factor VII; plus strand). Cytogenetic location: 13q34.
Variant type: single nucleotide variant.
Coding change: c.739+1G>A on transcript NM_019616.4 (MANE Select); the canonical splice donor site of the intron after coding-DNA position 739, G replaced by A.
Molecular consequence: splice donor variant.
Genome position (GRCh38, 1-based): chr13:113,117,597, G>A. VCF-style: chr13-113117597-G-A. GRCh37 (hg19) VCF-style: chr13-113771911-G-A.
Other names: p.?; c.805+1G>A (NM_000131.5); c.553+1G>A (NM_001267554.2).
Identifiers: ClinVar variation 2683442 (VCV002683442.8), dbSNP rs779658565, ClinGen allele CA7060088.

ClinVar aggregate classification (germline): Pathogenic/Likely pathogenic. Review status: criteria provided, multiple submitters, no conflicts (2 of 4 stars). 4 submissions from 4 submitters: Pathogenic (1); Likely pathogenic (3). Last evaluated 2026-10-15.

Conditions:
Congenital factor VII deficiency. Identifiers: Orphanet 327, MedGen C0272320, MONDO:0009211, OMIM 227500.
Myocardial infarction, susceptibility to. Identifiers: MedGen C1832662, MONDO:0012039, OMIM 608446.
F7-related disorder. Also called: F7-related condition.

Allele frequency attached by ClinVar (database versions not stated): TOPMed 0.00011; gnomAD 0.00003; ExAC 0.00003.
gnomAD v4.1: 11 of 1,601,890 alleles (0.00069%); highest among the groups gnomAD compares: African/African-American, 0.0067%; no homozygotes.

Submissions (4):

GeneDx
Classification: Pathogenic. Last evaluated: 2026-10-15. Review status: criteria provided, single submitter. Criteria: GeneDx Variant Classification Process June 2021. Collection method: clinical testing. Allele origin: germline.
Comment: Canonical splice site variant predicted to result in a null allele in a gene for which loss of function is a known mechanism of disease; Has been reported, as IVS7+1G>A due to use of alternate nomenclature, in association with Factor VII deficiency (PMID: 18976247); This variant is associated with the following publications: (PMID: 25525159, 18976247)

PreventionGenetics, part of Exact Sciences
Classification: Likely pathogenic for F7-related condition. Last evaluated: 2026-07-21. Review status: criteria provided, single submitter. Criteria: ACMG Guidelines, 2015. Collection method: clinical testing. Allele origin: germline.
Comment: The F7 c.805+1G>A variant is predicted to disrupt the GT donor site and interfere with normal splicing. This variant has been reported in individuals with Factor VII deficiency (Herrmann et al. 2009. PubMed ID: 18976247). This variant is reported in 0.012% of alleles in individuals of African descent in gnomAD. Variants that disrupt the consensus splice donor site in F7 are expected to be pathogenic. This variant is interpreted as likely pathogenic.

Mayo Clinic Laboratories, Mayo Clinic
Classification: Likely pathogenic. Last evaluated: 2024-05-07. Review status: criteria provided, single submitter. Criteria: ACMG Guidelines, 2015. Collection method: clinical testing. Allele origin: germline. Observed: 8 variant alleles.
Comment: PM2_moderate, PVS1_strong

Fulgent Genetics
Classification: Likely pathogenic for Congenital factor VII deficiency; Myocardial infarction, susceptibility to. Last evaluated: 2024-04-08. Review status: criteria provided, single submitter. Criteria: ACMG Guidelines, 2015. Collection method: clinical testing. Allele origin: germline.

Literature cited by the submitters: PubMed 16807660 (cited by Mayo Clinic Laboratories, Mayo Clinic); PubMed 18976247 (cited by Mayo Clinic Laboratories, Mayo Clinic); PubMed 29104756 (cited by Mayo Clinic Laboratories, Mayo Clinic); PubMed 32333443 (cited by Mayo Clinic Laboratories, Mayo Clinic).